The following is an entry in ClinVar:

ClinVar aggregate classification (germline): Benign. Review status: criteria provided, multiple submitters, no conflicts (2 of 4 stars). 6 submissions from 5 submitters: Benign (6). Last evaluated 2026-02-04.

Conditions:
Short-rib thoracic dysplasia 10 with or without polydactyly (SRTD10). Identifiers: Orphanet 474, MedGen C3810175, MONDO:0014284, OMIM 615630.
Retinitis pigmentosa 71 (RP71). Identifiers: Orphanet 791, MedGen C4225342, MONDO:0014618, OMIM 616394.

Allele frequency attached by ClinVar (database versions not stated): gnomAD exomes 0.41672; ExAC 0.41865; 1000 Genomes Project 0.45407; 1000 Genomes Project 30x 0.46252; gnomAD 0.46663 and 0.47329; TOPMed 0.47505; ESP Exome Variant Server 0.47893.
gnomAD v4.1: 648,645 of 1,613,256 alleles (40%); highest among the groups gnomAD compares: African/African-American, 67%; 136,555 homozygotes.

Submissions (6):

Labcorp Genetics (formerly Invitae), Labcorp
Classification: Benign for Retinitis pigmentosa 71; Short-rib thoracic dysplasia 10 with or without polydactyly. Last evaluated: 2026-02-04. Review status: criteria provided, single submitter. Criteria: Invitae Variant Classification Sherloc (09022015). Collection method: clinical testing. Allele origin: germline.

Blueprint Genetics
Classification: Benign. Last evaluated: 2024-11-26. Review status: criteria provided, single submitter. Criteria: ACMG Guidelines, 2015. Collection method: clinical testing. Allele origin: germline.

Genome-Nilou Lab
Classification: Benign for Retinitis pigmentosa 71. Last evaluated: 2021-08-10. Review status: criteria provided, single submitter. Criteria: ACMG Guidelines, 2015. Collection method: clinical testing. Allele origin: germline. Affected: no.

Genome-Nilou Lab
Classification: Benign for Short-rib thoracic dysplasia 10 with or without polydactyly. Last evaluated: 2021-08-10. Review status: criteria provided, single submitter. Criteria: ACMG Guidelines, 2015. Collection method: clinical testing. Allele origin: germline. Affected: no.

GeneDx
Classification: Benign. Last evaluated: 2016-01-08. Review status: criteria provided, single submitter. Criteria: GeneDx Variant Classification (06012015). Collection method: clinical testing. Allele origin: germline. Affected: yes.
Comment: This variant is considered likely benign or benign based on one or more of the following criteria: it is a conservative change, it occurs at a poorly conserved position in the protein, it is predicted to be benign by multiple in silico algorithms, and/or has population frequency not consistent with disease.

Breakthrough Genomics
Classification: Benign. Review status: criteria provided, single submitter. Criteria: ACMG Guidelines, 2015. Collection method: not provided. Allele origin: germline. Inheritance: Autosomal recessive inheritance. Affected: yes.

NM_015662.3(IFT172):c.1829+12G>A

Gene: IFT172 (intraflagellar transport 172; minus strand). Cytogenetic location: 2p23.3.
Variant type: single nucleotide variant.
Coding change: c.1829+12G>A on transcript NM_015662.3 (MANE Select); 12 bases into the intron after coding-DNA position 1829, G replaced by A.
Molecular consequence: intron variant.
Genome position (GRCh38, 1-based): chr2:27,465,734, C>T on the plus strand (G>A on the coding strand, the complement: IFT172 is on the minus strand). VCF-style: chr2-27465734-C-T. GRCh37 (hg19) VCF-style: chr2-27688601-C-T.
Identifiers: ClinVar variation 379410 (VCV000379410.14), dbSNP rs1647276, ClinGen allele CA1580524.
Genomic context (GRCh38, chr2:27,465,734, plus strand): 5'-CCCCACCCCAGGTCCTCCCCTCTCAGAACCAGACTCTCCCACCACCTCACTGGTTATTGG[C>T]CAGCCTCTCACCGGATGTAGTTGCCATCATCAATGGCTGTTCCAAACTCGATGAGGCCCT-3'